The following is an entry in ClinVar:

NM_000539.3(RHO):c.304T>A (p.Tyr102Asn)

Gene: RHO (rhodopsin; plus strand). Cytogenetic location: 3q22.1.
Variant type: single nucleotide variant.
Coding change: c.304T>A on transcript NM_000539.3 (MANE Select); coding-DNA position 304, T replaced by A.
Protein change: p.Tyr102Asn; replaces tyrosine 102 with asparagine.
Molecular consequence: missense variant.
Genome position (GRCh38, 1-based): chr3:129,529,037, T>A. VCF-style: chr3-129529037-T-A. GRCh37 (hg19) VCF-style: chr3-129247880-T-A.
Other names: short protein forms Y102N.
Identifiers: ClinVar variation 1351483 (VCV001351483.8), dbSNP rs2084758850, ClinGen allele CA354496800.
Genomic context (GRCh38, chr3:129,529,037, plus strand): 5'-GCTGACCTCTTCATGGTCCTAGGTGGCTTCACCAGCACCCTCTACACCTCTCTGCATGGA[T>A]ACTTCGTCTTCGGGCCCACAGGATGCAATTTGGAGGGCTTCTTTGCCACCCTGGGCGGTA-3'
Protein context (NP_000530.1, residues 92-112): TSTLYTSLHG[Tyr102Asn]FVFGPTGCNL

ClinVar aggregate classification (germline): Uncertain significance (1 of 4 stars; one submission).

Submission:

Labcorp Genetics (formerly Invitae), Labcorp
Classification: Uncertain significance. Last evaluated: 2023-07-17. Review status: criteria provided, single submitter. Criteria: Invitae Variant Classification Sherloc (09022015). Collection method: clinical testing. Allele origin: germline.
Comment: This sequence change replaces tyrosine, which is neutral and polar, with asparagine, which is neutral and polar, at codon 102 of the RHO protein (p.Tyr102Asn). This variant is not present in population databases (gnomAD no frequency). This variant has not been reported in the literature in individuals affected with RHO-related conditions. ClinVar contains an entry for this variant (Variation ID: 1351483). Advanced modeling of protein sequence and biophysical properties (such as structural, functional, and spatial information, amino acid conservation, physicochemical variation, residue mobility, and thermodynamic stability) performed at Invitae indicates that this missense variant is expected to disrupt RHO protein function. In summary, the available evidence is currently insufficient to determine the role of this variant in disease. Therefore, it has been classified as a Variant of Uncertain Significance.